The following is an entry in ClinVar:

ClinVar aggregate classification (germline): Uncertain significance (1 of 4 stars; one submission).

Conditions:
Pyogenic arthritis-pyoderma gangrenosum-acne syndrome (PAPA). Also called: PAPA SYNDROME; FAMILIAL RECURRENT ARTHRITIS. Identifiers: Orphanet 69126, MedGen C1858361, MONDO:0011462, OMIM 604416.

Submission:

Labcorp Genetics (formerly Invitae), Labcorp
Classification: Uncertain significance for Pyogenic arthritis-pyoderma gangrenosum-acne syndrome. Last evaluated: 2021-10-14. Review status: criteria provided, single submitter. Criteria: Invitae Variant Classification Sherloc (09022015). Collection method: clinical testing. Allele origin: germline.
Comment: This variant is a gross deletion of the genomic region encompassing exon(s) 7-14 of the PSTPIP1 gene. This variant would be expected to be in-frame, preserving the integrity of the reading frame. This variant has not been reported in the literature in individuals affected with PSTPIP1-related conditions. Experimental studies and prediction algorithms are not available or were not evaluated, and the functional significance of this variant is currently unknown. In summary, the available evidence is currently insufficient to determine the role of this variant in disease. Therefore, it has been classified as a Variant of Uncertain Significance.

NC_000015.9:g.(?_77320875)_(77328296_?)del

Gene: PSTPIP1 (proline-serine-threonine phosphatase interacting protein 1; plus strand). Cytogenetic location: 15q24.3.
Variant type: Deletion.
Identifiers: ClinVar variation 2424802 (VCV002424802.3).